The following is an entry in ClinVar:

NM_000053.4(ATP7B):c.1441T>G (p.Ser481Ala)

Gene: ATP7B (ATPase copper transporting beta; minus strand). Cytogenetic location: 13q14.3.
Variant type: single nucleotide variant.
Coding change: c.1441T>G on transcript NM_000053.4 (MANE Select); coding-DNA position 1441, T replaced by G.
Protein change: p.Ser481Ala; replaces serine 481 with alanine.
Molecular consequence: missense variant. On other transcripts: intron variant (1).
Genome position (GRCh38, 1-based): chr13:51,970,594, A>C on the plus strand (T>G on the coding strand, the complement: ATP7B is on the minus strand). VCF-style: chr13-51970594-A-C. GRCh37 (hg19) VCF-style: chr13-52544730-A-C.
Other names: c.1441T>G, p.Ser481Ala (NM_001005918.3, NM_001330578.2, NM_001330579.2 and 28 more transcripts); c.1108T>G, p.Ser370Ala (NM_001243182.2); c.1345T>G, p.Ser449Ala (NM_001406530.1, NM_001406517.1, NM_001406518.1 and 3 more transcripts); c.1285+3341T>G (NM_001406548.1); c.1012T>G, p.Ser338Ala (NM_001406539.1); short protein forms S338A, S370A, S449A, S481A.
Identifiers: ClinVar variation 3075240 (VCV003075240.1), dbSNP rs769215829, ClinGen allele CA388035625.

ClinVar aggregate classification (germline): Uncertain significance (1 of 4 stars; one submission).

Conditions:
Wilson disease (WND). Also called: Wilson's disease. Identifiers: Orphanet 905, MedGen C0019202, MONDO:0010200, OMIM 277900. Disease mechanism: loss of function.

gnomAD v4.1: 1 of 1,613,994 alleles (0.000062%); highest among the groups gnomAD compares: Non-Finnish European, 0.000085%; no homozygotes.

Submission:

All of Us Research Program, National Institutes of Health
Classification: Uncertain significance for Wilson disease. Last evaluated: 2024-01-03. Review status: criteria provided, single submitter. Criteria: ACMG Guidelines, 2015. Collection method: clinical testing. Allele origin: germline. Inheritance: Autosomal recessive inheritance. Observed: 1 variant allele, 1 heterozygote.
Comment: This missense variant replaces serine with alanine at codon 481 of the ATP7B protein. Computational prediction suggests that this variant may not impact protein structure and function (internally defined REVEL score threshold <= 0.5, PMID: 27666373). To our knowledge, functional studies have not been reported for this variant. This variant has not been reported in individuals affected with ATP7B-related disorders in the literature. This variant has not been identified in the general population by the Genome Aggregation Database (gnomAD). The available evidence is insufficient to determine the role of this variant in disease conclusively. Therefore, this variant is classified as a Variant of Uncertain Significance.

This study involves interpretation of variants in research participants for the purpose of population health screening. Participant phenotype was not available at the time of variant classification. Additional details can be found in publication PMID: 35346344, PMCID: PMC8962531